The following is an entry in ClinVar:

NM_020975.6(RET):c.1141T>A (p.Phe381Ile)

Gene: RET (ret proto-oncogene; plus strand). Cytogenetic location: 10q11.21.
Variant type: single nucleotide variant.
Coding change: c.1141T>A on transcript NM_020975.6 (MANE Select); coding-DNA position 1141, T replaced by A.
Protein change: p.Phe381Ile; replaces phenylalanine 381 with isoleucine.
Molecular consequence: missense variant. On other transcripts: intron variant (18).
Genome position (GRCh38, 1-based): chr10:43,109,108, T>A. VCF-style: chr10-43109108-T-A. GRCh37 (hg19) VCF-style: chr10-43604556-T-A.
Other names: c.868-2099T>A (NM_001406769.1, NM_001406772.1); c.626-2991T>A (NM_001406782.1, NM_001406780.1, NM_001406779.1 and 3 more transcripts); c.739-2099T>A (NM_001406774.1); c.497-2991T>A (NM_001406786.1, NM_001406783.1); c.338-2991T>A (NM_001406790.1, NM_001406788.1, NM_001406789.1 and 1 more transcripts); c.379T>A, p.Phe127Ile (NM_001355216.2); c.1141T>A, p.Phe381Ile (NM_001406743.1, NM_001406744.1, NM_001406759.1 and 4 more transcripts); c.1012T>A, p.Phe338Ile (NM_001406761.1, NM_001406762.1, NM_001406764.1 and 1 more transcripts); and 5 more; short protein forms F127I, F139I, F235I, F285I, F338I, F381I, F51I.
Identifiers: ClinVar variation 4863270 (VCV004863270.1).

ClinVar aggregate classification (germline): Uncertain significance (1 of 4 stars; one submission).

Conditions:
Hereditary cancer-predisposing syndrome. Also called: Neoplastic Syndromes, Hereditary; Tumor predisposition; Hereditary Cancer Syndrome; Hereditary neoplastic syndrome. Identifiers: Orphanet 140162, MedGen C0027672, MeSH D009386, MONDO:0015356.

Submission:

Ambry Genetics
Classification: Uncertain significance for Hereditary cancer-predisposing syndrome. Last evaluated: 2026-05-06. Review status: criteria provided, single submitter. Criteria: Ambry Variant Classification Scheme 2023. Collection method: clinical testing. Allele origin: germline.
Comment: The p.F381I variant (also known as c.1141T>A), located in coding exon 6 of the RET gene, results from a T to A substitution at nucleotide position 1141. The phenylalanine at codon 381 is replaced by isoleucine, an amino acid with highly similar properties. This amino acid position is well conserved in available vertebrate species. In addition, the in silico prediction for this alteration is inconclusive. Based on the available evidence, the clinical significance of this variant remains unclear.